The following is an entry in ClinVar:

NM_030958.3(SLCO5A1):c.824G>C (p.Gly275Ala)

Gene: SLCO5A1 (solute carrier organic anion transporter family member 5A1; minus strand). Cytogenetic location: 8q13.3.
Variant type: single nucleotide variant.
Coding change: c.824G>C on transcript NM_030958.3 (MANE Select); coding-DNA position 824, G replaced by C.
Protein change: p.Gly275Ala; replaces glycine 275 with alanine.
Molecular consequence: missense variant.
Genome position (GRCh38, 1-based): chr8:69,831,850, C>G on the plus strand (G>C on the coding strand, the complement: SLCO5A1 is on the minus strand). VCF-style: chr8-69831850-C-G. GRCh37 (hg19) VCF-style: chr8-70744085-C-G.
Other names: c.824G>C, p.Gly275Ala (NM_001146008.2, NM_001146009.1); short protein forms G275A.
Identifiers: ClinVar variation 2957367 (VCV002957367.3), dbSNP rs747787944, ClinGen allele CA4776736.

ClinVar aggregate classification (germline): Uncertain significance (1 of 4 stars; one submission).

Allele frequency attached by ClinVar (database versions not stated): ExAC 0.00001; gnomAD 0.00001; gnomAD exomes 0.00001; TOPMed 0.00001.
gnomAD v4.1: 5 of 1,613,584 alleles (0.00031%); highest among the groups gnomAD compares: Admixed American, 0.0017%; no homozygotes.

Submission:

Labcorp Genetics (formerly Invitae), Labcorp
Classification: Uncertain significance. Last evaluated: 2023-11-17. Review status: criteria provided, single submitter. Criteria: Invitae Variant Classification Sherloc (09022015). Collection method: clinical testing. Allele origin: germline.
Comment: This sequence change replaces glycine, which is neutral and non-polar, with alanine, which is neutral and non-polar, at codon 275 of the SLCO5A1 protein (p.Gly275Ala). This variant is present in population databases (rs747787944, gnomAD 0.003%). This variant has not been reported in the literature in individuals affected with SLCO5A1-related conditions. An algorithm developed to predict the effect of missense changes on protein structure and function (PolyPhen-2) suggests that this variant is likely to be disruptive. In summary, the available evidence is currently insufficient to determine the role of this variant in disease. Therefore, it has been classified as a Variant of Uncertain Significance.